The following is an entry in ClinVar:

NM_001267550.2(TTN):c.93181del (p.Arg31061fs)

Genes: TTN-AS1 (TTN antisense RNA 1; plus strand), TTN (titin; minus strand). Cytogenetic location: 2q31.2.
Variant type: Deletion.
Coding change: c.93181del on transcript NM_001267550.2 (MANE Select); coding-DNA position 93181, one base deleted (C; older notation c.93181delC).
Protein change: p.Arg31061fs; shifts the reading frame from arginine 31061.
Molecular consequence: frameshift variant.
Genome position (GRCh38, 1-based): chr2:178,548,445, G deleted on the plus strand (C on the coding strand, the reverse complement: TTN is on the minus strand); the first of 2 consecutive G bases (chr2:178,548,445-178,548,446); deleting either gives the same sequence. VCF-style (leftmost placement, unchanged base first): chr2-178548444-CG-C. GRCh37 (hg19) VCF-style: chr2-179413171-CG-C.
Other names: c.88258del, p.Arg29420fs (NM_001256850.1); c.65986del, p.Arg21996fs (NM_003319.4); c.85477del, p.Arg28493fs (NM_133378.4); c.66361del, p.Arg22121fs (NM_133432.3); c.66562del, p.Arg22188fs (NM_133437.4); short protein forms R21996fs, R28493fs, R31061fs, R22121fs, R22188fs, R29420fs.
Identifiers: ClinVar variation 1515650 (VCV001515650.9), dbSNP rs2154147379, ClinGen allele CA2573134114.

ClinVar aggregate classification (germline): Likely pathogenic. Review status: criteria provided, multiple submitters, no conflicts (2 of 4 stars). 3 submissions from 3 submitters: Likely pathogenic (3). Last evaluated 2026-08-06.

Conditions:
Autosomal recessive limb-girdle muscular dystrophy type 2J (LGMDR10). Also called: Limb-girdle muscular dystrophy, type 2J; MUSCULAR DYSTROPHY, LIMB-GIRDLE, AUTOSOMAL RECESSIVE 10. Identifiers: Orphanet 140922, MedGen C1837342, MONDO:0012127, OMIM 608807.
Dilated cardiomyopathy 1G (CMD1G). Identifiers: Orphanet 154, MedGen C1858763, MONDO:0011400, OMIM 604145.
Tibial muscular dystrophy (TMD). Also called: UDD MYOPATHY; Udd Distal Myopathy – Tibial Muscular Dystrophy; Tibial muscular dystrophy, tardive. Identifiers: Orphanet 609, MedGen C1838244, MONDO:0010870, OMIM 600334.

Submissions (3):

OLLIN Analises Genomicas, OLLIN
Classification: Likely pathogenic for Tibial muscular dystrophy. Last evaluated: 2026-08-06. Review status: criteria provided, single submitter. Criteria: ACMG Guidelines 2015 PMID 25741868. Collection method: clinical testing. Allele origin: germline. Inheritance: Autosomal dominant inheritance.
Comment: This frameshift variant, located in exon 339 (of 363), is absent from gnomAD and has not been identified in the literature. However, it has been reported in ClinVar (accession VCV001515650.7). This variant causes a frameshift and introduces a premature stop codon, which is predicted to result in either a truncated protein or degradation of the mRNA via nonsense-mediated decay (NMD). According to the currently available evidence, this variant has been classified as likely pathogenic (PVS1, PM2_P).

Dasa
Classification: Likely pathogenic. Last evaluated: 2025-08-14. Review status: criteria provided, single submitter. Criteria: DASA Assertion Criteria. Collection method: clinical testing. Allele origin: germline.
Comment: NM_001267550.2(TTN):c.93181del (p.Arg31061ValfsTer33) is a frameshift variant in TTN predicted to alter the reading frame and introduce a premature termination codon and is predicted to result in an absent or altered protein product. Loss of function is an established disease mechanism for TTN-associated disorders. Also, this variant is absent from population databases. Based on the currently available evidence, this variant is classified as likely pathogenic.

Labcorp Genetics (formerly Invitae), Labcorp
Classification: Likely pathogenic for Dilated cardiomyopathy 1G; Autosomal recessive limb-girdle muscular dystrophy type 2J. Last evaluated: 2021-08-30. Review status: criteria provided, single submitter. Criteria: Invitae Variant Classification Sherloc (09022015). Collection method: clinical testing. Allele origin: germline.
Comment: This variant is not present in population databases (ExAC no frequency). This variant has not been reported in the literature in individuals affected with TTN-related conditions. In summary, the currently available evidence indicates that the variant is pathogenic, but additional data are needed to prove that conclusively. Therefore, this variant has been classified as Likely Pathogenic. This sequence change creates a premature translational stop signal (p.Arg31061Valfs*33) in the TTN gene. While this is not anticipated to result in nonsense mediated decay, it is expected to create a truncated TTN protein. This variant is located in the A band of TTN (PMID: 25589632). Truncating variants in this region are significantly overrepresented in patients affected with dilated cardiomyopathy (PMID: 25589632). Truncating variants in this region have also been reported in individuals affected with autosomal recessive centronuclear myopathy (PMID: 23975875).

Literature cited by the submitters: PubMed 25589632 (cited by Labcorp Genetics (formerly Invitae), Labcorp); PubMed 23975875 (cited by Labcorp Genetics (formerly Invitae), Labcorp).